The following is an entry in ClinVar:

NM_052947.4(ALPK2):c.2040G>C (p.Glu680Asp)

Gene: ALPK2 (alpha kinase 2; minus strand). Cytogenetic location: 18q21.31.
Variant type: single nucleotide variant.
Coding change: c.2040G>C on transcript NM_052947.4 (MANE Select); coding-DNA position 2040, G replaced by C.
Protein change: p.Glu680Asp; replaces glutamic acid 680 with aspartic acid.
Molecular consequence: missense variant.
Genome position (GRCh38, 1-based): chr18:58,538,147, C>G on the plus strand (G>C on the coding strand, the complement: ALPK2 is on the minus strand). VCF-style: chr18-58538147-C-G. GRCh37 (hg19) VCF-style: chr18-56205379-C-G.
Other names: short protein forms E680D.
Identifiers: ClinVar variation 1784897 (VCV001784897.2), dbSNP rs774112916, ClinGen allele CA402571836.
Genomic context (GRCh38, chr18:58,538,147, plus strand): 5'-TTCCTTGTGGACCCCTCCTAAGTTTGAGAAGGAAATTGTTGTGGTCCCAGTGAATGGGGA[C>G]TCCTCCCCAGCAGGCTCTGAGAAAGCTGGCATCTGGCTGCAAGAGATTGTCTCTCTGACT-3'
Protein context (NP_443179.3, residues 670-690): MPAFSEPAGE[Glu680Asp]SPFTGTTTIS

ClinVar aggregate classification (germline): Uncertain significance (1 of 4 stars; one submission).

gnomAD v4.1: 1 of 1,613,766 alleles (0.000062%); highest among the groups gnomAD compares: Non-Finnish European, 0.000085%; no homozygotes.

Submission:

Ambry Genetics
Classification: Uncertain significance. Last evaluated: 2021-06-14. Review status: criteria provided, single submitter. Criteria: Ambry Variant Classification Scheme 2023. Collection method: clinical testing. Allele origin: germline.
Comment: The p.E680D variant (also known as c.2040G>C), located in coding exon 4 of the ALPK2 gene, results from a G to C substitution at nucleotide position 2040. The glutamic acid at codon 680 is replaced by aspartic acid, an amino acid with highly similar properties. This amino acid position is conserved. In addition, this alteration is predicted to be tolerated by in silico analysis. Since supporting evidence is limited at this time, the clinical significance of this alteration remains unclear.